The following is an entry in ClinVar:

ClinVar aggregate classification (germline): Likely pathogenic (1 of 4 stars; one submission).

Conditions:
BAAT-related disorder. Also called: BAAT-related condition.

Submission:

PreventionGenetics, part of Exact Sciences
Classification: Likely pathogenic for BAAT-related condition. Last evaluated: 2026-05-19. Review status: criteria provided, single submitter. Criteria: ACMG Guidelines, 2015. Collection method: clinical testing. Allele origin: germline.
Comment: The BAAT c.151dupA variant is predicted to result in a frameshift and premature protein termination (p.Arg51Lysfs*4). To our knowledge, this variant has not been reported in the literature. This variant is reported in 0.014% of alleles in individuals of Latino descent in gnomAD. Frameshift variants in BAAT are expected to be pathogenic. This variant is interpreted as likely pathogenic.

NM_001701.4(BAAT):c.151dup (p.Arg51fs)

Gene: BAAT (bile acid-CoA:amino acid N-acyltransferase; minus strand). Cytogenetic location: 9q31.1.
Variant type: Duplication.
Coding change: c.151dup on transcript NM_001701.4 (MANE Select); coding-DNA position 151, one base duplicated (A; older notation c.151dupA).
Protein change: p.Arg51fs; shifts the reading frame from arginine 51.
Molecular consequence: frameshift variant.
Genome position (GRCh38, 1-based): chr9:101,371,254, T duplicated on the plus strand (A on the coding strand, the reverse complement: BAAT is on the minus strand). VCF-style (leftmost placement, unchanged base first): chr9-101371253-C-CT. GRCh37 (hg19) VCF-style: chr9-104133535-C-CT.
Other names: c.151dup, p.Arg51fs (NM_001127610.2, NM_001374715.1); short protein forms R51fs.
Identifiers: ClinVar variation 4987463 (VCV004987463.1).
Genomic context (GRCh38, chr9:101,371,253, plus strand): 5'-ATATAATCCCCTCCAAGTGAAGAAGCATGATTCAGGTCCACCTCACCGAATTCATTGGCC[C>CT]TATAGTGGGCTTGAGAATAAAACATGTCTCCGTTTTCATCTTCCAGTGATGCCTGAAAAC-3'